The following is an entry in ClinVar:

NM_020680.4(SCYL1):c.1592G>A (p.Arg531Gln)

Gene: SCYL1 (SCY1 like pseudokinase 1; plus strand). Cytogenetic location: 11q13.1.
Variant type: single nucleotide variant.
Coding change: c.1592G>A on transcript NM_020680.4 (MANE Select); coding-DNA position 1592, G replaced by A.
Protein change: p.Arg531Gln; replaces arginine 531 with glutamine.
Molecular consequence: missense variant.
Genome position (GRCh38, 1-based): chr11:65,536,275, G>A. VCF-style: chr11-65536275-G-A. GRCh37 (hg19) VCF-style: chr11-65303746-G-A.
Other names: c.1592G>A, p.Arg531Gln (NM_001048218.2); short protein forms R531Q.
Identifiers: ClinVar variation 793023 (VCV000793023.10), dbSNP rs553035759, ClinGen allele CA6099864.
Genomic context (GRCh38, chr11:65,536,275, plus strand): 5'-CTTGGGAACCCCAGAGACCCCAGCTCTGCCTCGTTACCCCACAGGCCTTCAAGGCCATTC[G>A]GAGCTTCCTGTCCAAATTGGAGTCTGTGTCGGAGGACCCGACCCAGCTGGAGGAAGTGGG-3'
Protein context (NP_065731.3, residues 521-541): SVRDQAFKAI[Arg531Gln]SFLSKLESVS

ClinVar aggregate classification (germline): Conflicting classifications of pathogenicity. Review status: criteria provided, conflicting classifications (1 of 4 stars). 3 submissions from 3 submitters: Uncertain significance (1); Likely benign (1). 1 of the submissions does not count toward it. Last evaluated 2024-02-15.

Conditions:
SCYL1-related disorder. Also called: SCYL1-related condition.

Allele frequency attached by ClinVar (database versions not stated): gnomAD 0.00003 and 0.00015; TOPMed 0.00005; gnomAD exomes 0.00025 and 0.00038; ExAC 0.00049; 1000 Genomes Project 30x 0.00078; 1000 Genomes Project 0.00100.
gnomAD v4.1: 392 of 1,614,094 alleles (0.024%); highest among the groups gnomAD compares: South Asian, 0.31%; 3 homozygotes.

Submissions (3):

Labcorp Genetics (formerly Invitae), Labcorp
Classification: Likely benign. Last evaluated: 2024-02-15. Review status: criteria provided, single submitter. Criteria: Invitae Variant Classification Sherloc (09022015). Collection method: clinical testing. Allele origin: germline.

Blueprint Genetics
Classification: Uncertain significance. Last evaluated: 2023-05-10. Review status: criteria provided, single submitter. Criteria: ACMG Guidelines, 2015. Collection method: clinical testing. Allele origin: germline.

PreventionGenetics, part of Exact Sciences
Classification: Likely benign for SCYL1-related condition. Last evaluated: 2024-02-15. Review status: no assertion criteria provided. Collection method: clinical testing. Allele origin: germline. Not counted in ClinVar's aggregate classification.
Comment: This variant is classified as likely benign based on ACMG/AMP sequence variant interpretation guidelines (Richards et al. 2015 PMID: 25741868, with internal and published modifications).